The following is an entry in ClinVar:

ClinVar aggregate classification (germline): Uncertain significance (1 of 4 stars; one submission).

Conditions:
Hereditary cancer-predisposing syndrome. Also called: Neoplastic Syndromes, Hereditary; Tumor predisposition; Hereditary neoplastic syndrome; Hereditary Cancer Syndrome. Identifiers: Orphanet 140162, MedGen C0027672, MeSH D009386, MONDO:0015356.
Cardiovascular phenotype. Identifiers: MedGen CN230736.

Submission:

Ambry Genetics
Classification: Uncertain significance for Cardiovascular phenotype; Hereditary cancer-predisposing syndrome. Last evaluated: 2023-09-22. Review status: criteria provided, single submitter. Criteria: Ambry Variant Classification Scheme 2023. Collection method: clinical testing. Allele origin: germline.
Comment: The p.V2424E variant (also known as c.7271T>A), located in coding exon 49 of the NF1 gene, results from a T to A substitution at nucleotide position 7271. The valine at codon 2424 is replaced by glutamic acid, an amino acid with dissimilar properties. This amino acid position is conserved. In addition, the in silico prediction for this alteration is inconclusive. Since supporting evidence is limited at this time, the clinical significance of this alteration remains unclear.

NM_001042492.3(NF1):c.7334T>A (p.Val2445Glu)

Gene: NF1 (neurofibromin 1; plus strand). Cytogenetic location: 17q11.2.
Variant type: single nucleotide variant.
Coding change: c.7334T>A on transcript NM_001042492.3 (MANE Select); coding-DNA position 7334, T replaced by A.
Protein change: p.Val2445Glu; replaces valine 2445 with glutamic acid.
Molecular consequence: missense variant.
Genome position (GRCh38, 1-based): chr17:31,350,195, T>A. VCF-style: chr17-31350195-T-A. GRCh37 (hg19) VCF-style: chr17-29677213-T-A.
Other names: c.7271T>A, p.Val2424Glu (NM_000267.4); short protein forms V2424E, V2445E.
Identifiers: ClinVar variation 3237932 (VCV003237932.1), dbSNP rs1567623931.